The following is an entry in ClinVar:

ClinVar aggregate classification (germline): Uncertain significance. Review status: criteria provided, multiple submitters, no conflicts (2 of 4 stars). 2 submissions from 2 submitters: Uncertain significance (2). Last evaluated 2023-02-09.

Conditions:
Hereditary cancer-predisposing syndrome. Also called: Hereditary Cancer Syndrome; Tumor predisposition; Neoplastic Syndromes, Hereditary; Hereditary neoplastic syndrome. Identifiers: Orphanet 140162, MedGen C0027672, MeSH D009386, MONDO:0015356.

Submissions (2):

GeneDx
Classification: Uncertain significance. Last evaluated: 2023-02-09. Review status: criteria provided, single submitter. Criteria: GeneDx Variant Classification Process June 2021. Collection method: clinical testing. Allele origin: germline. Affected: yes.
Comment: Not observed at significant frequency in large population cohorts (gnomAD); In silico analysis supports that this missense variant has a deleterious effect on protein structure/function; Has not been previously published as pathogenic or benign to our knowledge

Ambry Genetics
Classification: Uncertain significance for Hereditary cancer-predisposing syndrome. Last evaluated: 2014-06-10. Review status: criteria provided, single submitter. Criteria: Ambry Autosomal Dominant and X-Linked criteria (10/2015). Collection method: clinical testing. Allele origin: germline. Observed: 1 variant allele.
Comment: The p.S2592P variant (also known as c.7774T>C), located in coding exon 51 of the ATM gene, results from a T to C substitution at nucleotide position 7774. The serine at codon 2592 is replaced by proline, an amino acid with some similar properties. This variant was not reported in population based cohorts in the following databases: Database of Single Nucleotide Polymorphisms (dbSNP), NHLBI Exome Sequencing Project (ESP), and 1000 Genomes Project. In the ESP, this variant was not observed in 6499 samples (12998 alleles) with coverage at this position. To date, this alteration has been detected with an allele frequency of approximately 0.006% (greater than 16000 alleles tested) in our clinical cohort (includes this individual). This amino acid position is highly conserved in available vertebrate species. In addition, this alteration is predicted to be possibly damaging and deleterious by PolyPhen and SIFT in silico analyses, respectively. Since supporting evidence is limited at this time, the clinical significance of p.S2592P remains unclear.

NM_000051.4(ATM):c.7774T>C (p.Ser2592Pro)

Genes: ATM (ATM serine/threonine kinase; plus strand), C11orf65 (chromosome 11 open reading frame 65; minus strand). Cytogenetic location: 11q22.3.
Variant type: single nucleotide variant.
Coding change: c.7774T>C on transcript NM_000051.4 (MANE Select); coding-DNA position 7774, T replaced by C.
Protein change: p.Ser2592Pro; replaces serine 2592 with proline.
Molecular consequence: missense variant. On other transcripts: intron variant (2).
Genome position (GRCh38, 1-based): chr11:108,332,023, T>C. VCF-style: chr11-108332023-T-C. GRCh37 (hg19) VCF-style: chr11-108202750-T-C.
Other names: c.641-22952A>G (NM_001330368.2); c.*38+3197A>G (NM_001351110.2); c.7774T>C, p.Ser2592Pro (NM_001351834.2); short protein forms S2592P.
Identifiers: ClinVar variation 185241 (VCV000185241.6), dbSNP rs786202025, ClinGen allele CA191422.